The following is an entry in ClinVar:

NM_005732.4(RAD50):c.3491A>G (p.Glu1164Gly)

Genes: RAD50 (RAD50 double strand break repair protein; plus strand), TH2LCRR (T helper type 2 locus control region associated RNA; minus strand), TH2-LCR (Th2 cytokine locus control region; plus strand). Cytogenetic location: 5q31.1.
Variant type: single nucleotide variant.
Coding change: c.3491A>G on transcript NM_005732.4 (MANE Select); coding-DNA position 3491, A replaced by G.
Protein change: p.Glu1164Gly; replaces glutamic acid 1164 with glycine.
Molecular consequence: missense variant. On other transcripts: non-coding transcript variant (2).
Genome position (GRCh38, 1-based): chr5:132,638,096, A>G. VCF-style: chr5-132638096-A-G. GRCh37 (hg19) VCF-style: chr5-131973788-A-G.
Other names: short protein forms E1164G.
Identifiers: ClinVar variation 823836 (VCV000823836.10), dbSNP rs1581021033, ClinGen allele CA360931147.

ClinVar aggregate classification (germline): Uncertain significance. Review status: criteria provided, multiple submitters, no conflicts (2 of 4 stars). 2 submissions from 2 submitters: Uncertain significance (2). Last evaluated 2025-04-01.

Conditions:
Hereditary cancer-predisposing syndrome. Also called: Neoplastic Syndromes, Hereditary; Tumor predisposition; Hereditary neoplastic syndrome; Hereditary Cancer Syndrome. Identifiers: Orphanet 140162, MedGen C0027672, MeSH D009386, MONDO:0015356.

Allele frequency attached by ClinVar (database versions not stated): gnomAD exomes below 0.00001.
gnomAD v4.1: 1 of 1,614,146 alleles (0.000062%); highest among the groups gnomAD compares: South Asian, 0.0011%; no homozygotes.

Submissions (2):

Ambry Genetics
Classification: Uncertain significance for Hereditary cancer-predisposing syndrome. Last evaluated: 2025-04-01. Review status: criteria provided, single submitter. Criteria: Ambry Variant Classification Scheme 2023. Collection method: clinical testing. Allele origin: germline.
Comment: The p.E1164G variant (also known as c.3491A>G), located in coding exon 23 of the RAD50 gene, results from an A to G substitution at nucleotide position 3491. The glutamic acid at codon 1164 is replaced by glycine, an amino acid with similar properties. This amino acid position is highly conserved in available vertebrate species. In addition, this alteration is predicted to be deleterious by in silico analysis. Since supporting evidence is limited at this time, the clinical significance of this alteration remains unclear.

Labcorp Genetics (formerly Invitae), Labcorp
Classification: Uncertain significance for Hereditary cancer-predisposing syndrome. Last evaluated: 2024-03-09. Review status: criteria provided, single submitter. Criteria: Invitae Variant Classification Sherloc (09022015). Collection method: clinical testing. Allele origin: germline.
Comment: This sequence change replaces glutamic acid, which is acidic and polar, with glycine, which is neutral and non-polar, at codon 1164 of the RAD50 protein (p.Glu1164Gly). This variant is not present in population databases (gnomAD no frequency). This variant has not been reported in the literature in individuals affected with RAD50-related conditions. ClinVar contains an entry for this variant (Variation ID: 823836). Advanced modeling of protein sequence and biophysical properties (such as structural, functional, and spatial information, amino acid conservation, physicochemical variation, residue mobility, and thermodynamic stability) performed at Invitae indicates that this missense variant is expected to disrupt RAD50 protein function with a positive predictive value of 80%. In summary, the available evidence is currently insufficient to determine the role of this variant in disease. Therefore, it has been classified as a Variant of Uncertain Significance.